The following is an entry in ClinVar:

ClinVar aggregate classification (germline): Likely benign (0 of 4 stars; one submission).

Conditions:
BCORL1-related disorder. Also called: BCORL1-related condition.

Allele frequency attached by ClinVar (database versions not stated): gnomAD exomes 0.00005; ExAC 0.00013; 1000 Genomes Project 30x 0.00021; 1000 Genomes Project 0.00026; ESP Exome Variant Server 0.00028; TOPMed 0.00034; gnomAD 0.00039.
gnomAD v4.1: 99 of 1,209,933 alleles (0.0082%); highest among the groups gnomAD compares: African/African-American, 0.11%; no homozygotes.

Submission:

PreventionGenetics, part of Exact Sciences
Classification: Likely benign for BCORL1-related condition. Last evaluated: 2020-07-14. Review status: no assertion criteria provided. Collection method: clinical testing. Allele origin: germline.
Comment: This variant is classified as likely benign based on ACMG/AMP sequence variant interpretation guidelines (Richards et al. 2015 PMID: 25741868, with internal and published modifications).

NM_001379451.1(BCORL1):c.3259G>A (p.Gly1087Arg)

Gene: BCORL1 (BCL6 corepressor like 1; plus strand). Cytogenetic location: Xq26.1.
Variant type: single nucleotide variant.
Coding change: c.3259G>A on transcript NM_001379451.1 (MANE Select); coding-DNA position 3259, G replaced by A.
Protein change: p.Gly1087Arg; replaces glycine 1087 with arginine.
Molecular consequence: missense variant.
Genome position (GRCh38, 1-based): chrX:130,016,031, G>A. VCF-style: chrX-130016031-G-A. GRCh37 (hg19) VCF-style: chrX-129150007-G-A.
Other names: c.3259G>A, p.Gly1087Arg (NM_001184772.3, NM_001379450.1, NM_021946.5); short protein forms G1087R.
Identifiers: ClinVar variation 3036747 (VCV003036747.2), dbSNP rs144120338, ClinGen allele CA10514464.
Genomic context (GRCh38, chrX:130,016,031, plus strand): 5'-CGGGCTGATGGCCTCCCAGTGGCTCCCCAGAGGGGCCAAGCTGAAGTTCGGGCTAAGGCC[G>A]GGCAGGCTCGAGTGAAACAGGAAAGCGTAGGGGTCTTTGCTTGCAAGAACAAGTGGCAGC-3'
Protein context (NP_001366380.1, residues 1077-1097): RGQAEVRAKA[Gly1087Arg]QARVKQESVG